The following is an entry in ClinVar:

ClinVar aggregate classification (germline): Uncertain significance (1 of 4 stars; one submission).

Conditions:
Diamond-Blackfan anemia. Also called: Blackfan Diamond syndrome; Aregenerative anemia chronic congenital; Red cell aplasia, pure hereditary; Congenital hypoplastic anemia; Aase syndrome. Identifiers: Orphanet 124, MedGen C1260899, MeSH D029503, MONDO:0015253, HP:0004810.
GATA binding protein 1 related thrombocytopenia with dyserythropoiesis. Also called: GATA1-Related X-Linked Cytopenia; GATA1-Related Cytopenia. Identifiers: MedGen C1845837, MONDO:0100089.

Allele frequency attached by ClinVar (database versions not stated): gnomAD 0.00001.

Submission:

Labcorp Genetics (formerly Invitae), Labcorp
Classification: Uncertain significance for GATA binding protein 1 related thrombocytopenia with dyserythropoiesis; Diamond-Blackfan anemia. Last evaluated: 2023-10-03. Review status: criteria provided, single submitter. Criteria: Invitae Variant Classification Sherloc (09022015). Collection method: clinical testing. Allele origin: germline.
Comment: This sequence change replaces proline, which is neutral and non-polar, with histidine, which is basic and polar, at codon 14 of the GATA1 protein (p.Pro14His). This variant is not present in population databases (gnomAD no frequency). This variant has not been reported in the literature in individuals affected with GATA1-related conditions. ClinVar contains an entry for this variant (Variation ID: 1920847). An algorithm developed to predict the effect of missense changes on protein structure and function (PolyPhen-2) suggests that this variant is likely to be tolerated. In summary, the available evidence is currently insufficient to determine the role of this variant in disease. Therefore, it has been classified as a Variant of Uncertain Significance.

NM_002049.4(GATA1):c.41C>A (p.Pro14His)

Gene: GATA1 (GATA binding protein 1; plus strand). Cytogenetic location: Xp11.23.
Variant type: single nucleotide variant.
Coding change: c.41C>A on transcript NM_002049.4 (MANE Select); coding-DNA position 41, C replaced by A.
Protein change: p.Pro14His; replaces proline 14 with histidine.
Molecular consequence: missense variant.
Genome position (GRCh38, 1-based): chrX:48,791,150, C>A. VCF-style: chrX-48791150-C-A. GRCh37 (hg19) VCF-style: chrX-48649557-C-A.
Other names: short protein forms P14H.
Identifiers: ClinVar variation 1920847 (VCV001920847.5), dbSNP rs1478971085, ClinGen allele CA412866745.